The following is an entry in ClinVar:

NM_006063.3(KLHL41):c.1363A>C (p.Lys455Gln)

Gene: KLHL41 (kelch like family member 41; plus strand). Cytogenetic location: 2q31.1.
Variant type: single nucleotide variant.
Coding change: c.1363A>C on transcript NM_006063.3 (MANE Select); coding-DNA position 1363, A replaced by C.
Protein change: p.Lys455Gln; replaces lysine 455 with glutamine.
Molecular consequence: missense variant.
Genome position (GRCh38, 1-based): chr2:169,514,948, A>C. VCF-style: chr2-169514948-A-C. GRCh37 (hg19) VCF-style: chr2-170371458-A-C.
Other names: c.1363A>C (NM_006063.2); short protein forms K455Q.
Identifiers: ClinVar variation 1465032 (VCV001465032.4), dbSNP rs940791315, ClinGen allele CA59945353.

ClinVar aggregate classification (germline): Uncertain significance. Review status: criteria provided, multiple submitters, no conflicts (2 of 4 stars). 2 submissions from 2 submitters: Uncertain significance (2). Last evaluated 2021-08-17.

Conditions:
Nemaline myopathy 9 (NEM9). Identifiers: MedGen C3810384, MONDO:0014326, OMIM 615731.
Inborn genetic diseases. Identifiers: MedGen C0950123, MeSH D030342.

Allele frequency attached by ClinVar (database versions not stated): gnomAD exomes below 0.00001.
gnomAD v4.1: 1 of 1,594,024 alleles (0.000063%); highest among the groups gnomAD compares: Admixed American, 0.0017%; no homozygotes.

Submissions (2):

Ambry Genetics
Classification: Uncertain significance for Inborn genetic diseases. Last evaluated: 2021-08-17. Review status: criteria provided, single submitter. Criteria: Ambry Variant Classification Scheme 2023. Collection method: clinical testing. Allele origin: germline.

Labcorp Genetics (formerly Invitae), Labcorp
Classification: Uncertain significance for Nemaline myopathy 9. Last evaluated: 2021-07-28. Review status: criteria provided, single submitter. Criteria: Invitae Variant Classification Sherloc (09022015). Collection method: clinical testing. Allele origin: germline.
Comment: This sequence change replaces lysine with glutamine at codon 455 of the KLHL41 protein (p.Lys455Gln). The lysine residue is highly conserved and there is a small physicochemical difference between lysine and glutamine. This variant is not present in population databases (ExAC no frequency). This variant has not been reported in the literature in individuals affected with KLHL41-related conditions. Algorithms developed to predict the effect of missense changes on protein structure and function (SIFT, PolyPhen-2, Align-GVGD) all suggest that this variant is likely to be disruptive. In summary, the available evidence is currently insufficient to determine the role of this variant in disease. Therefore, it has been classified as a Variant of Uncertain Significance.